The following is an entry in ClinVar:

NM_001329.4(CTBP2):c.59-2326C>T

Gene: CTBP2 (C-terminal binding protein 2; minus strand). Cytogenetic location: 10q26.13.
Variant type: single nucleotide variant.
Coding change: c.59-2326C>T on transcript NM_001329.4 (MANE Select); 2326 bases into the intron before coding-DNA position 59, C replaced by T.
Molecular consequence: intron variant. On other transcripts: 5 prime UTR variant (1).
Genome position (GRCh38, 1-based): chr10:125,005,818, G>A on the plus strand (C>T on the coding strand, the complement: CTBP2 is on the minus strand). VCF-style: chr10-125005818-G-A. GRCh37 (hg19) VCF-style: chr10-126694387-G-A.
Other names: c.-10C>T (NM_001363508.2); c.59-2326C>T (NM_001083914.3, NM_001290214.3, NM_001321012.2 and 3 more transcripts); c.1679-2326C>T (NM_022802.3).
Identifiers: ClinVar variation 3051217 (VCV003051217.2), dbSNP rs377616232, ClinGen allele CA5736108.

ClinVar aggregate classification (germline): Likely benign (0 of 4 stars; one submission).

Conditions:
CTBP2-related disorder. Also called: CTBP2-related condition.

Allele frequency attached by ClinVar (database versions not stated): 1000 Genomes Project 30x 0.00016; gnomAD 0.00051; TOPMed 0.00053; ExAC 0.00067; gnomAD exomes 0.00097; ESP Exome Variant Server 0.00105.
gnomAD v4.1: 1,485 of 1,608,456 alleles (0.092%); highest among the groups gnomAD compares: South Asian, 0.15%; 1 homozygote.

Submission:

PreventionGenetics, part of Exact Sciences
Classification: Likely benign for CTBP2-related condition. Last evaluated: 2020-01-31. Review status: no assertion criteria provided. Collection method: clinical testing. Allele origin: germline.
Comment: This variant is classified as likely benign based on ACMG/AMP sequence variant interpretation guidelines (Richards et al. 2015 PMID: 25741868, with internal and published modifications).